The following is an entry in ClinVar:

ClinVar aggregate classification (germline): Uncertain significance (1 of 4 stars; one submission).

Conditions:
Hereditary cancer-predisposing syndrome. Also called: Tumor predisposition; Hereditary neoplastic syndrome; Neoplastic Syndromes, Hereditary; Hereditary Cancer Syndrome. Identifiers: Orphanet 140162, MedGen C0027672, MeSH D009386, MONDO:0015356.

Submission:

Ambry Genetics
Classification: Uncertain significance for Hereditary cancer-predisposing syndrome. Last evaluated: 2025-03-19. Review status: criteria provided, single submitter. Criteria: Ambry Variant Classification Scheme 2023. Collection method: clinical testing. Allele origin: germline.
Comment: The p.C1197F variant (also known as c.3590G>T), located in coding exon 20 of the DICER1 gene, results from a G to T substitution at nucleotide position 3590. The cysteine at codon 1197 is replaced by phenylalanine, an amino acid with highly dissimilar properties. This amino acid position is conserved. In addition, the in silico prediction for this alteration is inconclusive. Based on the available evidence, the clinical significance of this variant remains unclear.

NM_177438.3(DICER1):c.3590G>T (p.Cys1197Phe)

Gene: DICER1 (dicer 1, ribonuclease III; minus strand). Cytogenetic location: 14q32.13.
Variant type: single nucleotide variant.
Coding change: c.3590G>T on transcript NM_177438.3 (MANE Select); coding-DNA position 3590, G replaced by T.
Protein change: p.Cys1197Phe; replaces cysteine 1197 with phenylalanine.
Molecular consequence: missense variant. On other transcripts: non-coding transcript variant (6).
Genome position (GRCh38, 1-based): chr14:95,103,806, C>A on the plus strand (G>T on the coding strand, the complement: DICER1 is on the minus strand). VCF-style: chr14-95103806-C-A. GRCh37 (hg19) VCF-style: chr14-95570143-C-A.
Other names: c.3590G>T, p.Cys1197Phe (NM_001195573.1, NM_001271282.3, NM_001291628.2 and 12 more transcripts); c.3308G>T, p.Cys1103Phe (NM_001395686.1); c.3185G>T, p.Cys1062Phe (NM_001395687.1, NM_001395688.1, NM_001395689.1 and 2 more transcripts); c.3023G>T, p.Cys1008Phe (NM_001395691.1); c.1907G>T, p.Cys636Phe (NM_001395697.1); short protein forms C1008F, C1062F, C1103F, C1197F, C636F.
Identifiers: ClinVar variation 4011592 (VCV004011592.1).
Genomic context (GRCh38, chr14:95,103,806, plus strand): 5'-TATGAGGTAGTTGGTTGCACGGGTATTTCCTGCTTGTAGTAATTTAGCTGATTTCCTTGG[C>A]AAAAGTCTCTGTTAGCTAAATCATAACTGCCATTGGCGAGATTTTGATTGTAAGAAAGAC-3'
Protein context (NP_803187.1, residues 1187-1207): GSYDLANRDF[Cys1197Phe]QGNQLNYYKQ